The following is an entry in ClinVar:

ClinVar aggregate classification (germline): Uncertain significance (1 of 4 stars; one submission).

Conditions:
Familial cold autoinflammatory syndrome 4 (FCAS4). Identifiers: Orphanet 47045, Orphanet 576349, MedGen C4015276, MONDO:0014498, OMIM 616115.
Periodic fever-infantile enterocolitis-autoinflammatory syndrome. Also called: Autoinflammation with infantile enterocolitis. Identifiers: Orphanet 436166, MedGen C4015067, MONDO:0014472, OMIM 616050.

Submission:

Labcorp Genetics (formerly Invitae), Labcorp
Classification: Uncertain significance for Periodic fever-infantile enterocolitis-autoinflammatory syndrome; Familial cold autoinflammatory syndrome 4. Last evaluated: 2021-08-20. Review status: criteria provided, single submitter. Criteria: Invitae Variant Classification Sherloc (09022015). Collection method: clinical testing. Allele origin: germline.
Comment: This variant has not been reported in the literature in individuals with NLRC4-related conditions. In summary, the available evidence is currently insufficient to determine the role of this variant in disease. Therefore, it has been classified as a Variant of Uncertain Significance. Algorithms developed to predict the effect of missense changes on protein structure and function (SIFT, PolyPhen-2, Align-GVGD) all suggest that this variant is likely to be tolerated, but these predictions have not been confirmed by published functional studies and their clinical significance is uncertain. This variant is not present in population databases (ExAC no frequency). This sequence change replaces valine with leucine at codon 949 of the NLRC4 protein (p.Val949Leu). The valine residue is highly conserved and there is a small physicochemical difference between valine and leucine.

NM_001199138.2(NLRC4):c.2845G>C (p.Val949Leu)

Gene: NLRC4 (NLR family CARD domain containing 4; minus strand). Cytogenetic location: 2p22.3.
Variant type: single nucleotide variant.
Coding change: c.2845G>C on transcript NM_001199138.2 (MANE Select); coding-DNA position 2845, G replaced by C.
Protein change: p.Val949Leu; replaces valine 949 with leucine.
Molecular consequence: missense variant.
Genome position (GRCh38, 1-based): chr2:32,224,703, C>G on the plus strand (G>C on the coding strand, the complement: NLRC4 is on the minus strand). VCF-style: chr2-32224703-C-G. GRCh37 (hg19) VCF-style: chr2-32449772-C-G.
Other names: c.850G>C, p.Val284Leu (NM_001302504.2); c.2845G>C, p.Val949Leu (NM_021209.5, NM_001199139.2); short protein forms V284L, V949L.
Identifiers: ClinVar variation 1424303 (VCV001424303.6), dbSNP rs2148927531, ClinGen allele CA346519494.
Genomic context (GRCh38, chr2:32,224,703, plus strand): 5'-ACACTAATTGCTTAAGATTCTCAAATACACCCATGAAGGCAAGCCATCCATCACTGCTCA[C>G]ACGATTTCCCGCCAAATTCAACTGCTGGAAGTTTTTCAGAGGGTTCTTTCCAAAAAATGC-3'
Protein context (NP_001186067.1, residues 939-959): FQQLNLAGNR[Val949Leu]SSDGWLAFMG